The following is an entry in ClinVar:

NM_001355436.2(SPTB):c.3396G>A (p.Thr1132=)

Gene: SPTB (spectrin beta, erythrocytic; minus strand). Cytogenetic location: 14q23.3.
Variant type: single nucleotide variant.
Coding change: c.3396G>A on transcript NM_001355436.2 (MANE Select); coding-DNA position 3396, G replaced by A.
Protein change: p.Thr1132=; no amino-acid change (threonine 1132 retained).
Molecular consequence: synonymous variant.
Genome position (GRCh38, 1-based): chr14:64,786,569, C>T on the plus strand (G>A on the coding strand, the complement: SPTB is on the minus strand). VCF-style: chr14-64786569-C-T. GRCh37 (hg19) VCF-style: chr14-65253287-C-T.
Other names: c.3396G>A, p.Thr1132= (NM_001024858.4, NM_001355437.2).
Identifiers: ClinVar variation 2644323 (VCV002644323.24), dbSNP rs762943374, ClinGen allele CA7230639.

ClinVar aggregate classification (germline): Likely benign (1 of 4 stars; one submission).

Allele frequency attached by ClinVar (database versions not stated): gnomAD 0.00002; TOPMed 0.00002; gnomAD exomes 0.00005; ExAC 0.00006.
gnomAD v4.1: 72 of 1,614,188 alleles (0.0045%); highest among the groups gnomAD compares: South Asian, 0.051%; no homozygotes.

Submission:

CeGaT Center for Human Genetics Tuebingen
Classification: Likely benign. Last evaluated: 2026-01-01. Review status: criteria provided, single submitter. Criteria: CeGaT Center For Human Genetics Tuebingen Variant Classification Criteria Version 2. Collection method: clinical testing. Allele origin: germline. Affected: yes. Observed: 2 variant alleles.
Comment: SPTB: BP4, BP7